The following is an entry in ClinVar:

ClinVar aggregate classification (germline): Pathogenic. Review status: reviewed by expert panel (3 of 4 stars). 11 submissions from 11 submitters: Pathogenic (1). 10 of the submissions do not count toward it. Last evaluated 2016-10-18.

Conditions:
Inherited ovarian cancer (without breast cancer).
Hereditary cancer-predisposing syndrome. Also called: Hereditary Cancer Syndrome; Hereditary neoplastic syndrome; Neoplastic Syndromes, Hereditary; Tumor predisposition. Identifiers: Orphanet 140162, MedGen C0027672, MeSH D009386, MONDO:0015356.
Hereditary breast ovarian cancer syndrome. Also called: BRCA1- and BRCA2-Associated Hereditary Breast and Ovarian Cancer; Hereditary breast and ovarian cancer syndrome; Hereditary breast and ovarian cancer syndrome (HBOC); Breast and ovarian cancer; Hereditary breast and/or ovarian cancer syndrome; Hereditary breast and ovarian cancer. Identifiers: Orphanet 145, MedGen C0677776, MeSH D061325, MONDO:0003582. Disease mechanism: loss of function.
Breast-ovarian cancer, familial, susceptibility to, 1 (BROVCA1). Also called: BRCA1 Hereditary Breast and Ovarian Cancer; OVARIAN CANCER, SUSCEPTIBILITY TO. Identifiers: Orphanet 145, MedGen C2676676, MONDO:0011450, OMIM 604370. Disease mechanism: loss of function.

Submissions (11):

Evidence-based Network for the Interpretation of Germline Mutant Alleles (ENIGMA)
Classification: Pathogenic for Breast-ovarian cancer, familial, susceptibility to, 1. Last evaluated: 2016-10-18. Review status: reviewed by expert panel. Criteria: ENIGMA BRCA1/2 Classification Criteria (2015). Collection method: curation. Allele origin: germline.
Comment: Variant allele predicted to encode a truncated non-functional protein.

Genetics Laboratory, Great Ormond Street Hospital NHS Foundation Trust, North Thames Genomic Laboratory Hub
Classification: Pathogenic for Inherited ovarian cancer (without breast cancer). Last evaluated: 2026-07-10. Review status: criteria provided, single submitter. Criteria: CanVIG BRCA Gene Specific V1.22. Collection method: clinical testing. Allele origin: germline. Affected: yes. Not counted in ClinVar's aggregate classification.
Comment: PS4_moderate, PM2_moderate, PVS1_very-strong, PM5_strong, PP4_strong

Ambry Genetics
Classification: Pathogenic for Hereditary cancer-predisposing syndrome. Last evaluated: 2025-01-29. Review status: criteria provided, single submitter. Criteria: Ambry Variant Classification Scheme 2023. Collection method: clinical testing. Allele origin: germline. Not counted in ClinVar's aggregate classification.
Comment: The p.Q284* pathogenic mutation (also known as c.850C>T), located in coding exon 9 of the BRCA1 gene, results from a C to T substitution at nucleotide position 850. This changes the amino acid from a glutamine to a stop codon within coding exon 9. This mutation has been reported in multiple breast and/or ovarian cancer cohorts (Seymour IJ et al. Breast Cancer Res Treat, 2008 Nov;112:343-9; Wong-Brown MW et al. Breast Cancer Res Treat, 2015 Feb;150:71-80; Shi T et al. Int J Cancer, 2017 05;140:2051-2059; Tedaldi G et al. Oncotarget, 2017 Jul;8:47064-47075; Wen WX et al. J Med Genet, 2018 02;55:97-103; Rebbeck TR et al. Hum Mutat, 2018 05;39:593-620; Palmero EI et al. Sci Rep, 2018 06;8:9188; Carter NJ et al. Gynecol Oncol, 2018 12;151:481-488; Marchetti C et al. Ann Surg Oncol, 2018 Nov;25:3701-3708; Gornjec A et al. BMC Cancer, 2019 Apr;19:296; Concolino P et al. Int J Mol Sci, 2019 Jul;20; Santonocito C et al. Cancers (Basel), 2020 May;12; Quaio CRDC et al. Am J Med Genet C Semin Med Genet, 2020 12;184:955-964). In addition to the clinical data presented in the literature, this alteration is expected to result in loss of function by premature protein truncation or nonsense-mediated mRNA decay. As such, this alteration is interpreted as a disease-causing mutation.

Molecular Diagnostics Laboratory, Catalan Institute of Oncology
Classification: Pathogenic for Hereditary cancer-predisposing syndrome. Last evaluated: 2024-10-30. Review status: criteria provided, single submitter. Criteria: ClinGen BRCA1BRCA2 ACMG Specifications BRCA1 V1.0.0. Collection method: clinical testing. Allele origin: germline. Not counted in ClinVar's aggregate classification.
Comment: PVS1, PM5_PTC_Strong, PM2_Supporting c.850C>T, located in exon 10 (11 according to BIC nomenclature) of the BRCA1 gene, is a nonsense variant expected to result in loss of function by premature protein truncation and nonsense-mediated mRNA decay, p.(Gln284*)(PVS1, PM5_PTC_Strong). It is not present in the population database gnomAD v2.1.1, non cancer dataset (PM2_Supporting). No effect is predicted on splicing by SpliceAI. To our knowledge, no relevant functional studies have been reported for this variant. However, the variant was identified in the following databases: BRCA Exchange (pathogenic: “Variant allele predicted to encode a truncated non-functional protein”), ClinVar (8x pathogenic) and LOVD (7x pathogenic, 1x not provided), as well as in the literature, in several cancer related cohorts. Based on currently available information, c.850C>T is classified as a pathogenic variant according to ClinGen-BRCA1 Guidelines version v1.0.0.

GeneDx
Classification: Pathogenic. Last evaluated: 2024-04-19. Review status: criteria provided, single submitter. Criteria: GeneDx Variant Classification Process June 2021. Collection method: clinical testing. Allele origin: germline. Affected: yes. Not counted in ClinVar's aggregate classification.
Comment: Nonsense variant predicted to result in protein truncation or nonsense mediated decay in a gene for which loss of function is a known mechanism of disease; Not observed at significant frequency in large population cohorts (gnomAD); Truncating variants in this gene are considered pathogenic by a well-established clinical consortium and/or database; Also known as 969C>T; This variant is associated with the following publications: (PMID: 26187060, 36493725, 28087643, 31336956, 32438681, 28888541, 25682074, 18092194, 25525159, 24578176, 25823446, 30702160, 30322717, 31825140, 29907814, 33258288, 29446198, 28176296, 28993434, 36555431)

Labcorp Genetics (formerly Invitae), Labcorp
Classification: Pathogenic for Hereditary breast ovarian cancer syndrome. Last evaluated: 2023-09-08. Review status: criteria provided, single submitter. Criteria: Invitae Variant Classification Sherloc (09022015). Collection method: clinical testing. Allele origin: germline. Not counted in ClinVar's aggregate classification.
Comment: For these reasons, this variant has been classified as Pathogenic. ClinVar contains an entry for this variant (Variation ID: 55738). This premature translational stop signal has been observed in individual(s) with hereditary breast and/or ovarian cancer (PMID: 28176296, 28993434, 29446198, 30322717, 30702160). This variant is not present in population databases (gnomAD no frequency). This sequence change creates a premature translational stop signal (p.Gln284*) in the BRCA1 gene. It is expected to result in an absent or disrupted protein product. Loss-of-function variants in BRCA1 are known to be pathogenic (PMID: 20104584).

Baylor Genetics
Classification: Pathogenic for Breast-ovarian cancer, familial, susceptibility to, 1. Last evaluated: 2022-11-28. Review status: criteria provided, single submitter. Criteria: ACMG Guidelines, 2015. Collection method: clinical testing. Allele origin: unknown. Not counted in ClinVar's aggregate classification.

Women's Health and Genetics/Laboratory Corporation of America, LabCorp
Classification: Pathogenic for Hereditary breast ovarian cancer syndrome. Last evaluated: 2021-12-13. Review status: criteria provided, single submitter. Criteria: LabCorp Variant Classification Summary - May 2015. Collection method: clinical testing. Allele origin: germline. Not counted in ClinVar's aggregate classification.
Comment: Variant summary: BRCA1 c.850C>T (p.Gln284X) results in a premature termination codon, predicted to cause a truncation of the encoded protein or absence of the protein due to nonsense mediated decay, which are commonly known mechanisms for disease. Truncations downstream of this position have been classified as pathogenic by our laboratory (example: c.928C>T [p.Gln310X], c.1054G>T [p.Glu352X]). The variant allele was found at a frequency of 2.8e-06 in 358032 control chromosomes. c.850C>T has been reported in the literature in individuals affected with Hereditary Breast And Ovarian Cancer Syndrome (example: Wong-Brown_2015, Wen_2017, Santonocito_2020). These data indicate that the variant is likely to be associated with disease. To our knowledge, no experimental evidence demonstrating an impact on protein function has been reported. Six ClinVar submitter has assessed this variant since 2014, including 1 expert panel and 1 consortium: all submitters have classified the variant as pathogenic. Based on the evidence outlined above, the variant was classified as pathogenic.

Department of Molecular Diagnostics, Institute of Oncology Ljubljana
Classification: Pathogenic for Breast-ovarian cancer, familial, susceptibility to, 1. Last evaluated: 2020-04-02. Review status: criteria provided, single submitter. Criteria: ACMG Guidelines, 2015. Collection method: clinical testing. Allele origin: germline. Affected: yes. Not counted in ClinVar's aggregate classification.

Consortium of Investigators of Modifiers of BRCA1/2 (CIMBA), c/o University of Cambridge
Classification: Pathogenic for Breast-ovarian cancer, familial, susceptibility to, 1. Last evaluated: 2015-10-02. Review status: criteria provided, single submitter. Criteria: CIMBA Mutation Classification guidelines May 2016. Collection method: clinical testing. Allele origin: germline. Not counted in ClinVar's aggregate classification.

Quest Diagnostics Nichols Institute San Juan Capistrano
Classification: Pathogenic for Breast-ovarian cancer, familial, susceptibility to, 1. Last evaluated: 2015-03-23. Review status: criteria provided, single submitter. Criteria: Quest Diagnostics criteria. Collection method: clinical testing. Allele origin: germline. Inheritance: Autosomal dominant inheritance. Not counted in ClinVar's aggregate classification.

Literature cited by the submitters: PubMed 18092194 (cited by Ambry Genetics and Quest Diagnostics Nichols Institute San Juan Capistrano); PubMed 25682074 (cited by Ambry Genetics and Women's Health and Genetics/Laboratory Corporation of America, LabCorp); PubMed 28176296 (cited by Ambry Genetics and Labcorp Genetics (formerly Invitae), Labcorp); PubMed 28423363 (cited by Ambry Genetics); PubMed 28993434 (cited by 3 submitters); PubMed 29446198 (cited by Ambry Genetics and Labcorp Genetics (formerly Invitae), Labcorp); PubMed 29907814 (cited by Ambry Genetics); PubMed 30128899 (cited by Ambry Genetics); PubMed 30322717 (cited by Ambry Genetics and Labcorp Genetics (formerly Invitae), Labcorp); PubMed 30940100 (cited by Ambry Genetics); PubMed 31336956 (cited by Ambry Genetics); PubMed 32438681 (cited by Ambry Genetics and Women's Health and Genetics/Laboratory Corporation of America, LabCorp); PubMed 33258288 (cited by Ambry Genetics); PubMed 30702160 (cited by Labcorp Genetics (formerly Invitae), Labcorp); PubMed 20104584 (cited by Labcorp Genetics (formerly Invitae), Labcorp); PubMed 33471991 (cited by Women's Health and Genetics/Laboratory Corporation of America, LabCorp); PubMed 26295337 (cited by Quest Diagnostics Nichols Institute San Juan Capistrano).

NM_007294.4(BRCA1):c.850C>T (p.Gln284Ter)

Gene: BRCA1 (BRCA1 DNA repair associated; minus strand). Cytogenetic location: 17q21.31.
Variant type: single nucleotide variant.
Coding change: c.850C>T on transcript NM_007294.4 (MANE Select); coding-DNA position 850, C replaced by T.
Protein change: p.Gln284Ter; replaces glutamine 284 with a stop codon.
Molecular consequence: nonsense. On other transcripts: 5 prime UTR variant (2), intron variant (137).
Genome position (GRCh38, 1-based): chr17:43,094,681, G>A on the plus strand (C>T on the coding strand, the complement: BRCA1 is on the minus strand). VCF-style: chr17-43094681-G-A. GRCh37 (hg19) VCF-style: chr17-41246698-G-A.
Other names: 969C>T (Q284X); c.637C>T, p.Gln213Ter (NM_001407571.1, NM_001407896.1, NM_001407897.1 and 9 more transcripts); c.850C>T, p.Gln284Ter (NM_001407581.1, NM_001407582.1, NM_001407583.1 and 30 more transcripts); c.847C>T, p.Gln283Ter (NM_001407587.1, NM_001407590.1, NM_001407591.1 and 22 more transcripts); c.841C>T, p.Gln281Ter (NM_001407646.1, NM_001407647.1); c.727C>T, p.Gln243Ter (NM_001407648.1, NM_001407666.1, NM_001407667.1 and 19 more transcripts); c.724C>T, p.Gln242Ter (NM_001407649.1, NM_001407670.1, NM_001407671.1 and 11 more transcripts); c.772C>T, p.Gln258Ter (NM_001407653.1, NM_001407654.1, NM_001407655.1 and 4 more transcripts); and 41 more; short protein forms Q284*, Q237*, Q157*, Q196*, Q214*, Q216*, Q243*, Q257*.
Identifiers: ClinVar variation 55738 (VCV000055738.23), dbSNP rs397509330, ClinGen allele CA003940.